The following is an entry in ClinVar:

ClinVar aggregate classification (germline): Uncertain significance (1 of 4 stars; one submission).

Conditions:
Inborn genetic diseases. Identifiers: MedGen C0950123, MeSH D030342.

Submission:

Ambry Genetics
Classification: Uncertain significance for Inborn genetic diseases. Last evaluated: 2025-04-12. Review status: criteria provided, single submitter. Criteria: Ambry Variant Classification Scheme 2023. Collection method: clinical testing. Allele origin: germline.
Comment: The p.H80R variant (also known as c.239A>G), located in coding exon 2 of the MIB1 gene, results from an A to G substitution at nucleotide position 239. The histidine at codon 80 is replaced by arginine, an amino acid with highly similar properties. This amino acid position is conserved. In addition, this alteration is predicted to be deleterious by in silico analysis. Based on the available evidence, the clinical significance of this variant remains unclear.

NM_020774.4(MIB1):c.239A>G (p.His80Arg)

Gene: MIB1 (MIB E3 ubiquitin protein ligase 1; plus strand). Cytogenetic location: 18q11.2.
Variant type: single nucleotide variant.
Coding change: c.239A>G on transcript NM_020774.4 (MANE Select); coding-DNA position 239, A replaced by G.
Protein change: p.His80Arg; replaces histidine 80 with arginine.
Molecular consequence: missense variant.
Genome position (GRCh38, 1-based): chr18:21,765,781, A>G. VCF-style: chr18-21765781-A-G. GRCh37 (hg19) VCF-style: chr18-19345742-A-G.
Other names: short protein forms H80R.
Identifiers: ClinVar variation 4054643 (VCV004054643.1).